The following is an entry in ClinVar:

NM_000540.3(RYR1):c.8692+131G>A

Gene: RYR1 (ryanodine receptor 1; plus strand). Cytogenetic location: 19q13.2.
Variant type: single nucleotide variant.
Coding change: c.8692+131G>A on transcript NM_000540.3 (MANE Select); 131 bases into the intron after coding-DNA position 8692, G replaced by A.
Molecular consequence: intron variant.
Genome position (GRCh38, 1-based): chr19:38,506,677, G>A. VCF-style: chr19-38506677-G-A. GRCh37 (hg19) VCF-style: chr19-38997317-G-A.
Other names: c.8692+131G>A (NM_001042723.2).
Identifiers: ClinVar variation 1026649 (VCV001026649.8), dbSNP rs1970466822, ClinGen allele CA2335056762.

ClinVar aggregate classification (germline): Uncertain significance (1 of 4 stars; one submission).

Conditions:
RYR1-related disorder. Also called: RYR1-related condition; RYR1-related disorders. Identifiers: MedGen CN239331.

Submission:

Labcorp Genetics (formerly Invitae), Labcorp
Classification: Uncertain significance for RYR1-related disorder. Last evaluated: 2020-04-08. Review status: criteria provided, single submitter. Criteria: Invitae Variant Classification Sherloc (09022015). Collection method: clinical testing. Allele origin: germline.
Comment: This sequence change falls in intron 56 of the RYR1 gene. It does not directly change the encoded amino acid sequence of the RYR1 protein. In summary, the available evidence is currently insufficient to determine the role of this variant in disease. Therefore, it has been classified as a Variant of Uncertain Significance. Experimental studies have shown that this variant disrupts mRNA splicing (PMID: 21062345). This variant has been observed in individual(s) with autosomal recessive congenital myopathy (PMID: 21062345). The frequency data for this variant in the population databases is considered unreliable, as metrics indicate insufficient coverage at this position in the ExAC database.

Literature cited by the submitters: PubMed 21062345.